The following is an entry in ClinVar:

NM_001267550.2(TTN):c.42848G>A (p.Arg14283His)

Gene: TTN (titin; minus strand). Cytogenetic location: 2q31.2.
Variant type: single nucleotide variant.
Coding change: c.42848G>A on transcript NM_001267550.2 (MANE Select); coding-DNA position 42848, G replaced by A.
Protein change: p.Arg14283His; replaces arginine 14283 with histidine.
Molecular consequence: missense variant.
Genome position (GRCh38, 1-based): chr2:178,633,511, C>T on the plus strand (G>A on the coding strand, the complement: TTN is on the minus strand). VCF-style: chr2-178633511-C-T. GRCh37 (hg19) VCF-style: chr2-179498238-C-T.
Other names: p.Arg12642His; c.37925G>A, p.Arg12642His (NM_001256850.1); c.15653G>A, p.Arg5218His (NM_003319.4); c.35144G>A, p.Arg11715His (NM_133378.4); c.16028G>A, p.Arg5343His (NM_133432.3); c.16229G>A, p.Arg5410His (NM_133437.4); short protein forms R11715H, R12642H, R14283H, R5218H, R5343H, R5410H.
Identifiers: ClinVar variation 1194915 (VCV001194915.5), dbSNP rs767899169, ClinGen allele CA1996008.

ClinVar aggregate classification (germline): Conflicting classifications of pathogenicity. Review status: criteria provided, conflicting classifications (1 of 4 stars). 3 submissions from 3 submitters: Uncertain significance (2); Likely benign (1). Last evaluated 2024-02-08.

Conditions:
Cardiovascular phenotype. Identifiers: MedGen CN230736.

Allele frequency attached by ClinVar (database versions not stated): ExAC 0.00003; gnomAD exomes 0.00004; TOPMed 0.00004.

Submissions (3):

Mayo Clinic Laboratories, Mayo Clinic
Classification: Uncertain significance. Last evaluated: 2024-02-08. Review status: criteria provided, single submitter. Criteria: ACMG Guidelines, 2015. Collection method: clinical testing. Allele origin: germline. Observed: 1 variant allele.
Comment: BP4

GeneDx
Classification: Likely benign. Last evaluated: 2019-09-12. Review status: criteria provided, single submitter. Criteria: GeneDx Variant Classification Process June 2021. Collection method: clinical testing. Allele origin: germline. Affected: yes.

Ambry Genetics
Classification: Uncertain significance for Cardiovascular phenotype. Last evaluated: 2019-05-07. Review status: criteria provided, single submitter. Criteria: Ambry Variant Classification Scheme 2023. Collection method: clinical testing. Allele origin: germline.
Comment: The p.R5218H variant (also known as c.15653G>A), located in coding exon 59 of the TTN gene, results from a G to A substitution at nucleotide position 15653. The arginine at codon 5218 is replaced by histidine, an amino acid with highly similar properties. This amino acid position is well conserved in available vertebrate species; however, histidine is the reference amino acid in other vertebrate species. In addition, this alteration is predicted to be benign by PolyPhen and in silico analysis. Since supporting evidence is limited at this time, the clinical significance of this alteration remains unclear.